The following is an entry in ClinVar:

ClinVar aggregate classification (germline): Uncertain significance. Review status: criteria provided, multiple submitters, no conflicts (2 of 4 stars). 3 submissions from 3 submitters: Uncertain significance (3). Last evaluated 2025-12-27.

Conditions:
Xeroderma pigmentosum, group F (XPF). Also called: XERODERMA PIGMENTOSUM, COMPLEMENTATION GROUP F; XERODERMA PIGMENTOSUM VI; XP, GROUP F; ERCC4-Related Xeroderma Pigmentosum; XERODERMA PIGMENTOSUM, TYPE F; Xeroderma pigmentosum, type 6. Identifiers: MedGen C0268140, MONDO:0010215, OMIM 278760.
Cockayne syndrome. Identifiers: Orphanet 191, MedGen C0009207, MONDO:0016006.
Fanconi anemia complementation group Q. Identifiers: Orphanet 84, MedGen C3808988, MONDO:0014108, OMIM 615272.

Allele frequency attached by ClinVar (database versions not stated): ExAC 0.00001; gnomAD exomes 0.00001; gnomAD 0.00003; TOPMed 0.00003.

Submissions (3):

Labcorp Genetics (formerly Invitae), Labcorp
Classification: Uncertain significance for Fanconi anemia complementation group Q; Xeroderma pigmentosum, group F; Cockayne syndrome. Last evaluated: 2025-12-27. Review status: criteria provided, single submitter. Criteria: Invitae Variant Classification Sherloc (09022015). Collection method: clinical testing. Allele origin: germline.
Comment: This sequence change replaces arginine, which is basic and polar, with histidine, which is basic and polar, at codon 701 of the ERCC4 protein (p.Arg701His). This variant is present in population databases (rs762543560, gnomAD 0.005%). This variant has not been reported in the literature in individuals affected with ERCC4-related conditions. ClinVar contains an entry for this variant (Variation ID: 858128). Invitae Evidence Modeling of protein sequence and biophysical properties (such as structural, functional, and spatial information, amino acid conservation, physicochemical variation, residue mobility, and thermodynamic stability) indicates that this missense variant is expected to disrupt ERCC4 protein function with a positive predictive value of 80%. In summary, the available evidence is currently insufficient to determine the role of this variant in disease. Therefore, it has been classified as a Variant of Uncertain Significance.

Institute for Clinical Genetics, University Hospital TU Dresden, University Hospital TU Dresden
Classification: Uncertain significance. Last evaluated: 2021-11-03. Review status: criteria provided, single submitter. Criteria: ACMG Guidelines, 2015. Collection method: clinical testing. Allele origin: germline.

Revvity Omics, Revvity
Classification: Uncertain significance. Last evaluated: 2019-10-14. Review status: criteria provided, single submitter. Criteria: ACMG Guidelines, 2015. Collection method: clinical testing. Allele origin: germline.

NM_005236.3(ERCC4):c.2102G>A (p.Arg701His)

Gene: ERCC4 (ERCC excision repair 4, endonuclease catalytic subunit; plus strand). Cytogenetic location: 16p13.12.
Variant type: single nucleotide variant.
Coding change: c.2102G>A on transcript NM_005236.3 (MANE Select); coding-DNA position 2102, G replaced by A.
Protein change: p.Arg701His; replaces arginine 701 with histidine.
Molecular consequence: missense variant.
Genome position (GRCh38, 1-based): chr16:13,947,698, G>A. VCF-style: chr16-13947698-G-A. GRCh37 (hg19) VCF-style: chr16-14041555-G-A.
Other names: short protein forms R701H.
Identifiers: ClinVar variation 858128 (VCV000858128.15), dbSNP rs762543560, ClinGen allele CA7910678.
Genomic context (GRCh38, chr16:13,947,698, plus strand): 5'-AGCAAAGCATAGTTGTGGATATGCGTGAATTTCGAAGTGAGCTTCCATCTCTGATCCATC[G>A]TCGGGGCATTGACATTGAACCCGTGACTTTAGAGGTTGGAGATTACATCCTCACTCCAGA-3'
Protein context (NP_005227.1, residues 691-711): FRSELPSLIH[Arg701His]RGIDIEPVTL